The following is an entry in ClinVar:

ClinVar aggregate classification (germline): Likely benign (0 of 4 stars; one submission).

Conditions:
ALG5-related disorder. Also called: ALG5-related condition.

Allele frequency attached by ClinVar (database versions not stated): 1000 Genomes Project 30x 0.00016; 1000 Genomes Project 0.00020; TOPMed 0.00052; gnomAD 0.00082; ExAC 0.00106.
gnomAD v4.1: 1,699 of 1,580,554 alleles (0.11%); highest among the groups gnomAD compares: Non-Finnish European, 0.12%; 1 homozygote.

Submission:

PreventionGenetics, part of Exact Sciences
Classification: Likely benign for ALG5-related condition. Last evaluated: 2023-04-17. Review status: no assertion criteria provided. Collection method: clinical testing. Allele origin: germline.
Comment: This variant is classified as likely benign based on ACMG/AMP sequence variant interpretation guidelines (Richards et al. 2015 PMID: 25741868, with internal and published modifications).

NM_013338.5(ALG5):c.31C>G (p.Leu11Val)

Genes: ALG5 (ALG5 dolichyl-phosphate beta-glucosyltransferase; minus strand), LOC130009578 (ATAC-STARR-seq lymphoblastoid silent region 5270; plus strand). Cytogenetic location: 13q13.3.
Variant type: single nucleotide variant.
Coding change: c.31C>G on transcript NM_013338.5 (MANE Select); coding-DNA position 31, C replaced by G.
Protein change: p.Leu11Val; replaces leucine 11 with valine.
Molecular consequence: missense variant.
Genome position (GRCh38, 1-based): chr13:36,999,270, G>C on the plus strand (C>G on the coding strand, the complement: ALG5 is on the minus strand). VCF-style: chr13-36999270-G-C. GRCh37 (hg19) VCF-style: chr13-37573407-G-C.
Other names: c.31C>G, p.Leu11Val (NM_001142364.1); short protein forms L11V.
Identifiers: ClinVar variation 3040312 (VCV003040312.2), dbSNP rs147574138, ClinGen allele CA6950978.
Genomic context (GRCh38, chr13:36,999,270, plus strand): 5'-CGCGGGTTCCCATCCCTGTTCTCACCAGTACGAGGGCTGCGGCCGCCAGCGCCGCGCCGA[G>C]CACCGCCAGCTGCAACAGAAGCGGAGCCATTCTCCATGCCGTGGCAGCCCGCCCAATCCC-3'
Protein context (NP_037470.1, residues 1-21): MAPLLLQLAV[Leu11Val]GAALAAAALV